The following is an entry in ClinVar:

ClinVar aggregate classification (germline): Benign/Likely benign. Review status: criteria provided, multiple submitters, no conflicts (2 of 4 stars). 8 submissions from 7 submitters: Benign (5); Likely benign (2). 1 of the submissions does not count toward it. Last evaluated 2026-01-28.

Conditions:
LARGE1-related disorder. Also called: LARGE1-related condition.
Muscular dystrophy-dystroglycanopathy type B6 (MDDGB6). Also called: MUSCULAR DYSTROPHY-DYSTROGLYCANOPATHY (CONGENITAL WITH IMPAIRED INTELLECTUAL DEVELOPMENT), TYPE B, 6; MUSCULAR DYSTROPHY, CONGENITAL, LARGE-RELATED; MUSCULAR DYSTROPHY, CONGENITAL, TYPE 1D. Identifiers: MedGen C1837229, MONDO:0012138, OMIM 608840.
Muscular dystrophy-dystroglycanopathy (congenital with brain and eye anomalies), type A6. Also called: WALKER-WARBURG SYNDROME OR MUSCLE-EYE-BRAIN DISEASE, LARGE-RELATED; MUSCULAR DYSTROPHY-DYSTROGLYCANOPATHY (CONGENITAL WITH BRAIN AND EYE ANOMALIES), TYPE A, 6. Identifiers: Orphanet 588, Orphanet 899, MedGen C3150414, MONDO:0013158, OMIM 613154.

Allele frequency attached by ClinVar (database versions not stated): gnomAD 0.00001 and 0.00064; 1000 Genomes Project 30x 0.00547; TOPMed 0.00002; 1000 Genomes Project 0.00579.
gnomAD v4.1: 1,563 of 1,612,158 alleles (0.097%); highest among the groups gnomAD compares: South Asian, 1.6%; 32 homozygotes.

Submissions (8):

Labcorp Genetics (formerly Invitae), Labcorp
Classification: Benign for Muscular dystrophy-dystroglycanopathy type B6. Last evaluated: 2026-01-28. Review status: criteria provided, single submitter. Criteria: Invitae Variant Classification Sherloc (09022015). Collection method: clinical testing. Allele origin: germline.

Dubai Health Genomic Medicine Center, Dubai Health
Classification: Benign. Last evaluated: 2020-03-22. Review status: criteria provided, single submitter. Criteria: ACMG Guidelines, 2015. Collection method: clinical testing. Allele origin: germline. Affected: yes.

Genetic Services Laboratory, University of Chicago
Classification: Benign. Last evaluated: 2019-01-08. Review status: criteria provided, single submitter. Criteria: ACMG Guidelines, 2015. Collection method: clinical testing. Allele origin: germline. Affected: no.

GeneDx
Classification: Benign. Last evaluated: 2018-03-22. Review status: criteria provided, single submitter. Criteria: GeneDx Variant Classification Process June 2021. Collection method: clinical testing. Allele origin: germline. Affected: yes.

Illumina Laboratory Services, Illumina
Classification: Likely benign for Muscular dystrophy-dystroglycanopathy type B6. Last evaluated: 2018-01-12. Review status: criteria provided, single submitter. Criteria: ICSL Variant Classification Criteria 13 December 2019. Collection method: clinical testing. Allele origin: germline.
Comment: This variant was observed in the ICSL laboratory as part of a predisposition screen in an ostensibly healthy population. It had not been previously curated by ICSL or reported in the Human Gene Mutation Database (HGMD: prior to June 1st, 2018), and was therefore a candidate for classification through an automated scoring system. Utilizing variant allele frequency, disease prevalence and penetrance estimates, and inheritance mode, an automated score was calculated to assess if this variant is too frequent to cause the disease. Based on the score and internal cut-off values, a variant classified as likely benign is not then subjected to further curation. The score for this variant resulted in a classification of likely benign for this disease.

Illumina Laboratory Services, Illumina
Classification: Likely benign for Muscular dystrophy-dystroglycanopathy (congenital with brain and eye anomalies), type A6. Last evaluated: 2018-01-12. Review status: criteria provided, single submitter. Criteria: ICSL Variant Classification Criteria 13 December 2019. Collection method: clinical testing. Allele origin: germline.
Comment: the same text as in the submission from Illumina Laboratory Services, Illumina above.

Eurofins Ntd Llc (ga)
Classification: Benign. Last evaluated: 2016-04-27. Review status: criteria provided, single submitter. Criteria: EGL Classification Definitions 2015. Collection method: clinical testing. Allele origin: germline. Observed: 3 variant alleles, 3 heterozygotes.

PreventionGenetics, part of Exact Sciences
Classification: Benign for LARGE1-related condition. Last evaluated: 2019-05-22. Review status: no assertion criteria provided. Collection method: clinical testing. Allele origin: germline. Not counted in ClinVar's aggregate classification.
Comment: This variant is classified as benign based on ACMG/AMP sequence variant interpretation guidelines (Richards et al. 2015 PMID: 25741868, with internal and published modifications).

NM_133642.5(LARGE1):c.251G>C (p.Ser84Thr)

Gene: LARGE1 (LARGE xylosyl- and glucuronyltransferase 1; minus strand). Cytogenetic location: 22q12.3.
Variant type: single nucleotide variant.
Coding change: c.251G>C on transcript NM_133642.5 (MANE Select); coding-DNA position 251, G replaced by C.
Protein change: p.Ser84Thr; replaces serine 84 with threonine.
Molecular consequence: missense variant.
Genome position (GRCh38, 1-based): chr22:33,650,524, C>G on the plus strand (G>C on the coding strand, the complement: LARGE1 is on the minus strand). VCF-style: chr22-33650524-C-G. GRCh37 (hg19) VCF-style: chr22-34046510-C-G.
Other names: c.251G>C, p.Ser84Thr (NM_001362949.2, NM_001362951.2, NM_001362953.2 and 7 more transcripts); short protein forms S84T.
Identifiers: ClinVar variation 95173 (VCV000095173.28), dbSNP rs398124184, ClinGen allele CA172468.
Genomic context (GRCh38, chr22:33,650,524, plus strand): 5'-ATGGAGTAGGTCTTGGAGTGGTTGCCTCGGCGATGGGATGGGGCTCGGCCCTGGGCCAGG[C>G]TGAGCTGCCTGCGGAGGGCGCGGTTCTCCTCCTCCACCTCGCGCATGCGCACCTCCAGGC-3'
Protein context (NP_598397.1, residues 74-94): EENRALRRQL[Ser84Thr]LAQGRAPSHR